The following is an entry in ClinVar:

ClinVar aggregate classification (germline): Uncertain significance (1 of 4 stars; one submission).

Conditions:
Hereditary cancer-predisposing syndrome. Also called: Tumor predisposition; Hereditary Cancer Syndrome; Hereditary neoplastic syndrome; Neoplastic Syndromes, Hereditary. Identifiers: Orphanet 140162, MedGen C0027672, MeSH D009386, MONDO:0015356.

Submission:

Ambry Genetics
Classification: Uncertain significance for Hereditary cancer-predisposing syndrome. Last evaluated: 2023-08-11. Review status: criteria provided, single submitter. Criteria: Ambry Variant Classification Scheme 2023. Collection method: clinical testing. Allele origin: germline.
Comment: The p.T1819A variant (also known as c.5455A>G), located in coding exon 35 of the ATM gene, results from an A to G substitution at nucleotide position 5455. The threonine at codon 1819 is replaced by alanine, an amino acid with similar properties. This amino acid position is conserved. In addition, this alteration is predicted to be tolerated by in silico analysis. Since supporting evidence is limited at this time, the clinical significance of this alteration remains unclear.

NM_000051.4(ATM):c.5455A>G (p.Thr1819Ala)

Gene: ATM (ATM serine/threonine kinase; plus strand). Cytogenetic location: 11q22.3.
Variant type: single nucleotide variant.
Coding change: c.5455A>G on transcript NM_000051.4 (MANE Select); coding-DNA position 5455, A replaced by G.
Protein change: p.Thr1819Ala; replaces threonine 1819 with alanine.
Molecular consequence: missense variant.
Genome position (GRCh38, 1-based): chr11:108,302,988, A>G. VCF-style: chr11-108302988-A-G. GRCh37 (hg19) VCF-style: chr11-108173715-A-G.
Other names: c.5455A>G, p.Thr1819Ala (NM_001351834.2); short protein forms T1819A.
Identifiers: ClinVar variation 2587800 (VCV002587800.2), dbSNP rs2135930349, ClinGen allele CA382544250.